The following is an entry in ClinVar:

NM_000617.3(SLC11A2):c.607+12G>A

Gene: SLC11A2 (solute carrier family 11 member 2; minus strand). Cytogenetic location: 12q13.12.
Variant type: single nucleotide variant.
Coding change: c.607+12G>A on transcript NM_000617.3 (MANE Select); 12 bases into the intron after coding-DNA position 607, G replaced by A.
Molecular consequence: intron variant.
Genome position (GRCh38, 1-based): chr12:50,999,333, C>T on the plus strand (G>A on the coding strand, the complement: SLC11A2 is on the minus strand). VCF-style: chr12-50999333-C-T. GRCh37 (hg19) VCF-style: chr12-51393116-C-T.
Other names: c.694+12G>A (NM_001379446.1, NM_001379455.1, NM_001174125.2); c.496+12G>A (NM_001414747.1, NM_001414748.1); c.607+12G>A (NM_001174127.2, NM_001414744.1, NM_001174126.2 and 5 more transcripts); c.595+12G>A (NM_001379448.1, NM_001174130.2); c.370+12G>A (NM_001414749.1, NM_001414750.1).
Identifiers: ClinVar variation 309318 (VCV000309318.20), dbSNP rs224454, ClinGen allele CA6566724.

ClinVar aggregate classification (germline): Benign. Review status: criteria provided, multiple submitters, no conflicts (2 of 4 stars). 4 submissions from 4 submitters: Benign (4). Last evaluated 2026-02-02.

Conditions:
Microcytic anemia with liver iron overload. Also called: Anemia, hypochromic microcytic, with iron overload 1. Identifiers: Orphanet 83642, MedGen C3806153, MONDO:0008787, OMIM 206100.

Allele frequency attached by ClinVar (database versions not stated): 1000 Genomes Project 0.21226; ESP Exome Variant Server 0.12487; gnomAD 0.14139 and 0.14851; TOPMed 0.14332; gnomAD exomes 0.16409 and 0.18468; ExAC 0.18238; 1000 Genomes Project 30x 0.20331.
gnomAD v4.1: 262,462 of 1,610,946 alleles (16%); highest among the groups gnomAD compares: East Asian, 45%; 24,269 homozygotes.

Submissions (4):

Labcorp Genetics (formerly Invitae), Labcorp
Classification: Benign. Last evaluated: 2026-02-02. Review status: criteria provided, single submitter. Criteria: Invitae Variant Classification Sherloc (09022015). Collection method: clinical testing. Allele origin: germline.

Blueprint Genetics
Classification: Benign. Last evaluated: 2024-11-27. Review status: criteria provided, single submitter. Criteria: ACMG Guidelines, 2015. Collection method: clinical testing. Allele origin: germline.

Illumina Laboratory Services, Illumina
Classification: Benign for Microcytic anemia with liver iron overload. Last evaluated: 2018-01-13. Review status: criteria provided, single submitter. Criteria: ICSL Variant Classification Criteria 13 December 2019. Collection method: clinical testing. Allele origin: germline.
Comment: This variant was observed in the ICSL laboratory as part of a predisposition screen in an ostensibly healthy population. It had not been previously curated by ICSL or reported in the Human Gene Mutation Database (HGMD: prior to June 1st, 2018), and was therefore a candidate for classification through an automated scoring system. Utilizing variant allele frequency, disease prevalence and penetrance estimates, and inheritance mode, an automated score was calculated to assess if this variant is too frequent to cause the disease. Based on the score and internal cut-off values, a variant classified as benign is not then subjected to further curation. The score for this variant resulted in a classification of benign for this disease.

Breakthrough Genomics
Classification: Benign. Review status: criteria provided, single submitter. Criteria: ACMG Guidelines, 2015. Collection method: not provided. Allele origin: germline. Inheritance: Autosomal recessive inheritance. Affected: yes.